The following is an entry in ClinVar:

ClinVar aggregate classification (germline): Pathogenic (1 of 4 stars; one submission).

Conditions:
Acute myeloid leukemia (AML). Also called: Leukemia, acute myeloid, somatic; Leukemia, acute myelogenous, somatic; Acute myeloid leukemia, adult; AML adult; Acute non-lymphocytic leukemia; Acute granulocytic leukemia. Identifiers: Orphanet 519, MedGen C0023467, MeSH D015470, MONDO:0018874, OMIM 601626, HP:0004808. Disease mechanism: Constitutively activated FLT3.

Submission:

Genomic Diagnostics Laboratory, National Institute of Medical Genomics
Classification: Pathogenic for Acute myeloid leukemia. Review status: criteria provided, single submitter. Criteria: AMP Guidelines, 2017. Collection method: clinical testing. Allele origin: somatic. Affected: yes.
Comment: The variant was detected in bone marrow from patients, but it was not confirmed in the matched

NM_004364.5(CEBPA):c.180_183del (p.Ile62fs)

Gene: CEBPA (CCAAT enhancer binding protein alpha; minus strand). Cytogenetic location: 19q13.11.
Variant type: Deletion.
Coding change: c.180_183del on transcript NM_004364.5 (MANE Select); coding-DNA positions 180 to 183, 4 bases deleted (GTCC; older notation c.180_183delGTCC).
Protein change: p.Ile62fs; shifts the reading frame from isoleucine 62.
Molecular consequence: frameshift variant. On other transcripts: 5 prime UTR variant (1).
Genome position (GRCh38, 1-based): chr19:33,302,232-33,302,235, GGAC deleted on the plus strand (GTCC on the coding strand, the reverse complement: CEBPA is on the minus strand); deleting any 4 consecutive bases within chr19:33,302,232-33,302,236 gives the same sequence; the c. name uses the placement nearest the transcript's 3' end. VCF-style (leftmost placement, unchanged base first): chr19-33302231-TGGAC-T. GRCh37 (hg19) VCF-style: chr19-33793137-TGGAC-T.
Other names: c.-178_-175del (NM_001285829.2); c.285_288del, p.Ile97fs (NM_001287424.2); c.138_141del, p.Ile48fs (NM_001287435.2); c.180_183delGTCC (NM_004364.5); short protein forms I48fs, I62fs, I97fs.
Identifiers: ClinVar variation 1343793 (VCV001343793.1), dbSNP rs2513332790, ClinGen allele CA2580096804.
Genomic context (GRCh38, chr19:33,302,231, plus strand): 5'-ACAGGTCGGCCAGGAACTCGTCGTTGAAGGCGGCCGGGTCGATGTAGGCGCTGATGTCGA[TGGAC>T]GTCTCGTGCTCGCAGATGCCGCCCAGCGGCTCCGGGGCGGCAGGTGGGGCGGGAGGCTGC-3'